The following is an entry in ClinVar:

ClinVar aggregate classification (germline): Uncertain significance. Review status: criteria provided, multiple submitters, no conflicts (2 of 4 stars). 2 submissions from 2 submitters: Uncertain significance (2). Last evaluated 2025-08-08.

Allele frequency attached by ClinVar (database versions not stated): TOPMed 0.00001; gnomAD 0.00002.
gnomAD v4.1: 14 of 1,328,484 alleles (0.0011%); highest among the groups gnomAD compares: South Asian, 0.0023%; no homozygotes.

Submissions (2):

Labcorp Genetics (formerly Invitae), Labcorp
Classification: Uncertain significance. Last evaluated: 2025-08-08. Review status: criteria provided, single submitter. Criteria: Invitae Variant Classification Sherloc (09022015). Collection method: clinical testing. Allele origin: germline.
Comment: This sequence change replaces alanine, which is neutral and non-polar, with serine, which is neutral and polar, at codon 15 of the GATA5 protein (p.Ala15Ser). This variant is not present in population databases (gnomAD no frequency). This variant has not been reported in the literature in individuals affected with GATA5-related conditions. ClinVar contains an entry for this variant (Variation ID: 1520690). An algorithm developed to predict the effect of missense changes on protein structure and function outputs the following: PolyPhen-2: "Benign". The serine amino acid residue is found in multiple mammalian species, which suggests that this missense change does not adversely affect protein function. In summary, the available evidence is currently insufficient to determine the role of this variant in disease. Therefore, it has been classified as a Variant of Uncertain Significance.

Ambry Genetics
Classification: Uncertain significance. Last evaluated: 2024-06-17. Review status: criteria provided, single submitter. Criteria: Ambry Variant Classification Scheme 2023. Collection method: clinical testing. Allele origin: germline.

NM_080473.5(GATA5):c.43G>T (p.Ala15Ser)

Gene: GATA5 (GATA binding protein 5; minus strand). Cytogenetic location: 20q13.33.
Variant type: single nucleotide variant.
Coding change: c.43G>T on transcript NM_080473.5 (MANE Select); coding-DNA position 43, G replaced by T.
Protein change: p.Ala15Ser; replaces alanine 15 with serine.
Molecular consequence: missense variant.
Genome position (GRCh38, 1-based): chr20:62,475,479, C>A on the plus strand (G>T on the coding strand, the complement: GATA5 is on the minus strand). VCF-style: chr20-62475479-C-A. GRCh37 (hg19) VCF-style: chr20-61050535-C-A.
Other names: c.43G>T (NM_080473.4); short protein forms A15S.
Identifiers: ClinVar variation 1520690 (VCV001520690.7), dbSNP rs1303251290, ClinGen allele CA409557994.